The following is an entry in ClinVar:

NM_005654.6(NR2F1):c.49G>A (p.Gly17Arg)

Genes: NR2F1 (nuclear receptor subfamily 2 group F member 1; plus strand), NR2F1-AS1 (NR2F1 regulatory antisense RNA 1; minus strand). Cytogenetic location: 5q15.
Variant type: single nucleotide variant.
Coding change: c.49G>A on transcript NM_005654.6 (MANE Select); coding-DNA position 49, G replaced by A.
Protein change: p.Gly17Arg; replaces glycine 17 with arginine.
Molecular consequence: missense variant.
Genome position (GRCh38, 1-based): chr5:93,585,072, G>A. VCF-style: chr5-93585072-G-A. GRCh37 (hg19) VCF-style: chr5-92920778-G-A.
Other names: short protein forms G17R.
Identifiers: ClinVar variation 4754407 (VCV004754407.1).

ClinVar aggregate classification (germline): Uncertain significance (1 of 4 stars; one submission).

Submission:

Labcorp Genetics (formerly Invitae), Labcorp
Classification: Uncertain significance. Last evaluated: 2025-08-09. Review status: criteria provided, single submitter. Criteria: Invitae Variant Classification Sherloc (09022015). Collection method: clinical testing. Allele origin: germline.
Comment: This sequence change replaces glycine, which is neutral and non-polar, with arginine, which is basic and polar, at codon 17 of the NR2F1 protein (p.Gly17Arg). This variant is not present in population databases (gnomAD no frequency). This variant has not been reported in the literature in individuals affected with NR2F1-related conditions. Invitae Evidence Modeling of protein sequence and biophysical properties (such as structural, functional, and spatial information, amino acid conservation, physicochemical variation, residue mobility, and thermodynamic stability) indicates that this missense variant is not expected to disrupt NR2F1 protein function with a negative predictive value of 80%. In summary, the available evidence is currently insufficient to determine the role of this variant in disease. Therefore, it has been classified as a Variant of Uncertain Significance.